The following is an entry in ClinVar:

ClinVar aggregate classification (germline): Uncertain significance (1 of 4 stars; one submission).

Allele frequency attached by ClinVar (database versions not stated): TOPMed 0.00001; ExAC 0.00002; ESP Exome Variant Server 0.00015.

Submission:

Labcorp Genetics (formerly Invitae), Labcorp
Classification: Uncertain significance. Last evaluated: 2024-02-05. Review status: criteria provided, single submitter. Criteria: Invitae Variant Classification Sherloc (09022015). Collection method: clinical testing. Allele origin: germline.
Comment: This sequence change replaces serine, which is neutral and polar, with arginine, which is basic and polar, at codon 736 of the RAI1 protein (p.Ser736Arg). This variant is present in population databases (rs369519012, gnomAD 0.01%). This variant has not been reported in the literature in individuals affected with RAI1-related conditions. An algorithm developed to predict the effect of missense changes on protein structure and function (PolyPhen-2) suggests that this variant is likely to be tolerated. In summary, the available evidence is currently insufficient to determine the role of this variant in disease. Therefore, it has been classified as a Variant of Uncertain Significance.

NM_030665.4(RAI1):c.2208C>G (p.Ser736Arg)

Gene: RAI1 (retinoic acid induced 1; plus strand). Cytogenetic location: 17p11.2.
Variant type: single nucleotide variant.
Coding change: c.2208C>G on transcript NM_030665.4 (MANE Select); coding-DNA position 2208, C replaced by G.
Protein change: p.Ser736Arg; replaces serine 736 with arginine.
Molecular consequence: missense variant.
Genome position (GRCh38, 1-based): chr17:17,795,156, C>G. VCF-style: chr17-17795156-C-G. GRCh37 (hg19) VCF-style: chr17-17698470-C-G.
Other names: short protein forms S736R.
Identifiers: ClinVar variation 2876177 (VCV002876177.3), dbSNP rs369519012, ClinGen allele CA8418488.